The following is an entry in ClinVar:

ClinVar aggregate classification (germline): Uncertain significance (1 of 4 stars; one submission).

Allele frequency attached by ClinVar (database versions not stated): gnomAD exomes below 0.00001 and 0.00002; ExAC 0.00001; gnomAD 0.00002 and 0.00003; TOPMed 0.00003; ESP Exome Variant Server 0.00008.

Submission:

Labcorp Genetics (formerly Invitae), Labcorp
Classification: Uncertain significance. Last evaluated: 2024-11-05. Review status: criteria provided, single submitter. Criteria: Invitae Variant Classification Sherloc (09022015). Collection method: clinical testing. Allele origin: germline.
Comment: This sequence change replaces glycine, which is neutral and non-polar, with arginine, which is basic and polar, at codon 482 of the EMC1 protein (p.Gly482Arg). This variant is present in population databases (rs375701698, gnomAD 0.002%). This variant has not been reported in the literature in individuals affected with EMC1-related conditions. ClinVar contains an entry for this variant (Variation ID: 1426810). Invitae Evidence Modeling of protein sequence and biophysical properties (such as structural, functional, and spatial information, amino acid conservation, physicochemical variation, residue mobility, and thermodynamic stability) indicates that this missense variant is expected to disrupt EMC1 protein function with a positive predictive value of 80%. In summary, the available evidence is currently insufficient to determine the role of this variant in disease. Therefore, it has been classified as a Variant of Uncertain Significance.

NM_015047.3(EMC1):c.1444G>C (p.Gly482Arg)

Genes: EMC1 (ER membrane protein complex subunit 1; minus strand), EMC1-AS1 (EMC1 antisense RNA 1; plus strand). Cytogenetic location: 1p36.13.
Variant type: single nucleotide variant.
Coding change: c.1444G>C on transcript NM_015047.3 (MANE Select); coding-DNA position 1444, G replaced by C.
Protein change: p.Gly482Arg; replaces glycine 482 with arginine.
Molecular consequence: missense variant.
Genome position (GRCh38, 1-based): chr1:19,233,124, C>G on the plus strand (G>C on the coding strand, the complement: EMC1 is on the minus strand). VCF-style: chr1-19233124-C-G. GRCh37 (hg19) VCF-style: chr1-19559618-C-G.
Other names: c.1441G>C, p.Gly481Arg (NM_001271427.2, NM_001271428.2); c.1378G>C, p.Gly460Arg (NM_001271429.2); c.1453G>C, p.Gly485Arg (NM_001375820.1); c.1450G>C, p.Gly484Arg (NM_001375821.1); short protein forms G460R, G481R, G484R, G482R, G485R.
Identifiers: ClinVar variation 1426810 (VCV001426810.8), dbSNP rs375701698, ClinGen allele CA652566.